The following is an entry in ClinVar:

ClinVar aggregate classification (germline): Uncertain significance (1 of 4 stars; one submission).

Submission:

Labcorp Genetics (formerly Invitae), Labcorp
Classification: Uncertain significance. Last evaluated: 2021-09-27. Review status: criteria provided, single submitter. Criteria: Invitae Variant Classification Sherloc (09022015). Collection method: clinical testing. Allele origin: germline.
Comment: In summary, the available evidence is currently insufficient to determine the role of this variant in disease. Therefore, it has been classified as a Variant of Uncertain Significance. Advanced modeling of protein sequence and biophysical properties (such as structural, functional, and spatial information, amino acid conservation, physicochemical variation, residue mobility, and thermodynamic stability) performed at Invitae indicates that this missense variant is not expected to disrupt CYP4V2 protein function. This variant has not been reported in the literature in individuals affected with CYP4V2-related conditions. This variant is not present in population databases (ExAC no frequency). This sequence change replaces isoleucine with asparagine at codon 209 of the CYP4V2 protein (p.Ile209Asn). The isoleucine residue is highly conserved and there is a large physicochemical difference between isoleucine and asparagine.

NM_207352.4(CYP4V2):c.626T>A (p.Ile209Asn)

Gene: CYP4V2 (cytochrome P450 family 4 subfamily V member 2; plus strand). Cytogenetic location: 4q35.1.
Variant type: single nucleotide variant.
Coding change: c.626T>A on transcript NM_207352.4 (MANE Select); coding-DNA position 626, T replaced by A.
Protein change: p.Ile209Asn; replaces isoleucine 209 with asparagine.
Molecular consequence: missense variant.
Genome position (GRCh38, 1-based): chr4:186,197,554, T>A. VCF-style: chr4-186197554-T-A. GRCh37 (hg19) VCF-style: chr4-187118708-T-A.
Other names: short protein forms I209N.
Identifiers: ClinVar variation 1383595 (VCV001383595.6), dbSNP rs376640607, ClinGen allele CA358947739.